The following is an entry in ClinVar:

ClinVar aggregate classification (germline): Uncertain significance (1 of 4 stars; one submission).

Conditions:
Congenital myasthenic syndrome 5. Identifiers: Orphanet 590, MedGen C1864233, MONDO:0011281, OMIM 603034.

Submission:

Labcorp Genetics (formerly Invitae), Labcorp
Classification: Uncertain significance for Congenital myasthenic syndrome 5. Last evaluated: 2022-08-15. Review status: criteria provided, single submitter. Criteria: Invitae Variant Classification Sherloc (09022015). Collection method: clinical testing. Allele origin: germline.
Comment: This sequence change replaces serine, which is neutral and polar, with lysine, which is basic and polar, at codon 391 of the COLQ protein (p.Ser391Lys). Information on the frequency of this variant in the gnomAD database is not available, as this variant may be reported differently in the database. This variant has not been reported in the literature in individuals affected with COLQ-related conditions. ClinVar contains an entry for this variant (Variation ID: 1525354). Experimental studies and prediction algorithms are not available or were not evaluated, and the functional significance of this variant is currently unknown. In summary, the available evidence is currently insufficient to determine the role of this variant in disease. Therefore, it has been classified as a Variant of Uncertain Significance.

NM_005677.4(COLQ):c.1172_1173delinsAG (p.Ser391Lys)

Gene: COLQ (collagen like tail subunit of asymmetric acetylcholinesterase; minus strand). Cytogenetic location: 3p25.1.
Variant type: Indel.
Coding change: c.1172_1173delinsAG on transcript NM_005677.4 (MANE Select); coding-DNA positions 1172 to 1173, GC replaced by AG.
Protein change: p.Ser391Lys; replaces serine 391 with lysine.
Molecular consequence: missense variant.
Genome position (GRCh38, 1-based): chr3:15,455,921-15,455,922, GC replaced by CT on the plus strand (GC replaced by AG on the coding strand, the reverse complement: COLQ is on the minus strand). VCF-style: chr3-15455921-GC-CT. GRCh37 (hg19) VCF-style: chr3-15497428-GC-CT.
Other names: c.1142_1143delinsAG, p.Ser381Lys (NM_080538.2); c.1070_1071delinsAG, p.Ser357Lys (NM_080539.4); short protein forms S381K, S357K, S391K.
Identifiers: ClinVar variation 1525354 (VCV001525354.3), dbSNP rs2125085391, ClinGen allele CA2573136191.